The following is an entry in ClinVar:

NM_001903.5(CTNNA1):c.859-3C>T

Gene: CTNNA1 (catenin alpha 1; plus strand). Cytogenetic location: 5q31.2.
Variant type: single nucleotide variant.
Coding change: c.859-3C>T on transcript NM_001903.5 (MANE Select); 3 bases into the intron before coding-DNA position 859, C replaced by T.
Molecular consequence: intron variant.
Genome position (GRCh38, 1-based): chr5:138,827,512, C>T. VCF-style: chr5-138827512-C-T. GRCh37 (hg19) VCF-style: chr5-138163201-C-T.
Other names: c.859-3C>T (NM_001323982.2, NM_001323984.2, NM_001290307.3 and 4 more transcripts); c.490-3C>T (NM_001290310.3); c.550-3C>T (NM_001290309.3).
Identifiers: ClinVar variation 1367162 (VCV001367162.7), dbSNP rs1424398830, ClinGen allele CA563498195.

ClinVar aggregate classification (germline): Uncertain significance. Review status: criteria provided, multiple submitters, no conflicts (2 of 4 stars). 2 submissions from 2 submitters: Uncertain significance (2). Last evaluated 2025-12-03.

Conditions:
Hereditary cancer-predisposing syndrome. Also called: Neoplastic Syndromes, Hereditary; Tumor predisposition; Hereditary neoplastic syndrome; Hereditary Cancer Syndrome. Identifiers: Orphanet 140162, MedGen C0027672, MeSH D009386, MONDO:0015356.

Allele frequency attached by ClinVar (database versions not stated): TOPMed below 0.00001; gnomAD exomes 0.00001.
gnomAD v4.1: 3 of 1,614,078 alleles (0.00019%); highest among the groups gnomAD compares: African/African-American, 0.0027%; no homozygotes.

Submissions (2):

Labcorp Genetics (formerly Invitae), Labcorp
Classification: Uncertain significance. Last evaluated: 2025-12-03. Review status: criteria provided, single submitter. Criteria: Invitae Variant Classification Sherloc (09022015). Collection method: clinical testing. Allele origin: germline.
Comment: This sequence change falls in intron 6 of the CTNNA1 gene. It does not directly change the encoded amino acid sequence of the CTNNA1 protein. It affects a nucleotide within the consensus splice site. This variant is present in population databases (no rsID available, gnomAD 0.007%). This variant has not been reported in the literature in individuals affected with CTNNA1-related conditions. ClinVar contains an entry for this variant (Variation ID: 1367162). Variants that disrupt the consensus splice site are a relatively common cause of aberrant splicing (PMID: 17576681, 9536098). Algorithms developed to predict the effect of sequence changes on RNA splicing suggest that this variant is not likely to affect RNA splicing. In summary, the available evidence is currently insufficient to determine the role of this variant in disease. Therefore, it has been classified as a Variant of Uncertain Significance.

Ambry Genetics
Classification: Uncertain significance for Hereditary cancer-predisposing syndrome. Last evaluated: 2025-04-03. Review status: criteria provided, single submitter. Criteria: Ambry Variant Classification Scheme 2023. Collection method: clinical testing. Allele origin: germline.
Comment: The c.859-3C>T intronic variant results from a C to T substitution 3 nucleotides upstream from coding exon 6 in the CTNNA1 gene. This nucleotide position is not well conserved in available vertebrate species. In silico splice site analysis predicts that this alteration will not have any significant effect on splicing. Based on the available evidence, the clinical significance of this variant remains unclear.

Literature cited by the submitters: PubMed 17576681 (cited by Labcorp Genetics (formerly Invitae), Labcorp); PubMed 9536098 (cited by Labcorp Genetics (formerly Invitae), Labcorp).